The following is an entry in ClinVar:

NM_000540.3(RYR1):c.13695C>T (p.Phe4565=)

Gene: RYR1 (ryanodine receptor 1; plus strand). Cytogenetic location: 19q13.2.
Variant type: single nucleotide variant.
Coding change: c.13695C>T on transcript NM_000540.3 (MANE Select); coding-DNA position 13695, C replaced by T.
Protein change: p.Phe4565=; no amino-acid change (phenylalanine 4565 retained).
Molecular consequence: synonymous variant.
Genome position (GRCh38, 1-based): chr19:38,570,642, C>T. VCF-style: chr19-38570642-C-T. GRCh37 (hg19) VCF-style: chr19-39061282-C-T.
Other names: c.13680C>T, p.Phe4560= (NM_001042723.2).
Identifiers: ClinVar variation 1078681 (VCV001078681.5), dbSNP rs751989788, ClinGen allele CA060407.

ClinVar aggregate classification (germline): Likely benign. Review status: criteria provided, multiple submitters, no conflicts (2 of 4 stars). 2 submissions from 2 submitters: Likely benign (2). Last evaluated 2024-01-03.

Conditions:
RYR1-related disorder. Also called: RYR1-related condition; RYR1-related disorders. Identifiers: MedGen CN239331.
Malignant hyperthermia, susceptibility to, 1 (MHS1). Also called: RYR1-Related Malignant Hyperthermia Susceptibility; Anesthesia related hyperthermia; Malignant hyperpyrexia; Fulminating hyperpyrexia; Pharmacogenic myopathy; Malignant hyperthermia suceptibility 1. Identifiers: Orphanet 423, MedGen C2930980, MONDO:0007783, OMIM 145600.

Allele frequency attached by ClinVar (database versions not stated): gnomAD exomes below 0.00001; ExAC 0.00001.
gnomAD v4.1: 1 of 1,614,066 alleles (0.000062%); highest among the groups gnomAD compares: Non-Finnish European, 0.000085%; no homozygotes.

Submissions (2):

All of Us Research Program, National Institutes of Health
Classification: Likely benign for Malignant hyperthermia, susceptibility to, 1. Last evaluated: 2024-01-03. Review status: criteria provided, single submitter. Criteria: ACMG Guidelines, 2015. Collection method: clinical testing. Allele origin: germline. Inheritance: Autosomal dominant inheritance. Observed: 2 variant alleles, 2 heterozygotes.
Comment: This study involves interpretation of variants in research participants for the purpose of population health screening. Participant phenotype was not available at the time of variant classification. Additional details can be found in publication PMID: 35346344, PMCID: PMC8962531

Labcorp Genetics (formerly Invitae), Labcorp
Classification: Likely benign for RYR1-related disorder. Last evaluated: 2019-04-23. Review status: criteria provided, single submitter. Criteria: Invitae Variant Classification Sherloc (09022015). Collection method: clinical testing. Allele origin: germline.